The following is an entry in ClinVar:

ClinVar aggregate classification (germline): Uncertain significance. Review status: criteria provided, multiple submitters, no conflicts (2 of 4 stars). 2 submissions from 2 submitters: Uncertain significance (2). Last evaluated 2024-06-04.

Conditions:
Cardiovascular phenotype. Identifiers: MedGen CN230736.
Hypertrophic cardiomyopathy 14. Identifiers: MedGen C2750467, MONDO:0013197, OMIM 613251.

Submissions (2):

Ambry Genetics
Classification: Uncertain significance for Cardiovascular phenotype. Last evaluated: 2024-06-04. Review status: criteria provided, single submitter. Criteria: Ambry Variant Classification Scheme 2023. Collection method: clinical testing. Allele origin: germline.
Comment: The c.1649dupA variant, located in coding exon 13 of the MYH6 gene, results from a duplication of A at nucleotide position 1649, causing a translational frameshift with a predicted alternate stop codon (p.A551Gfs*85). This alteration is expected to result in protein truncation or nonsense-mediated mRNA decay. However, loss of function of MYH6 has not been established as a mechanism of disease. Based on the available evidence, the clinical significance of this alteration remains unclear.

Labcorp Genetics (formerly Invitae), Labcorp
Classification: Uncertain significance for Hypertrophic cardiomyopathy 14. Last evaluated: 2023-12-25. Review status: criteria provided, single submitter. Criteria: Invitae Variant Classification Sherloc (09022015). Collection method: clinical testing. Allele origin: germline.
Comment: This sequence change creates a premature translational stop signal (p.Ala551Glyfs*85) in the MYH6 gene. It is expected to result in an absent or disrupted protein product. However, the current clinical and genetic evidence is not sufficient to establish whether loss-of-function variants in MYH6 cause disease. This variant is present in population databases (no rsID available, gnomAD 0.01%). This variant has not been reported in the literature in individuals affected with MYH6-related conditions. In summary, the available evidence is currently insufficient to determine the role of this variant in disease. Therefore, it has been classified as a Variant of Uncertain Significance.

NM_002471.4(MYH6):c.1649dup (p.Ala551fs)

Gene: MYH6 (myosin heavy chain 6; minus strand). Cytogenetic location: 14q11.2.
Variant type: Duplication.
Coding change: c.1649dup on transcript NM_002471.4 (MANE Select); coding-DNA position 1649, one base duplicated (A; older notation c.1649dupA).
Protein change: p.Ala551fs; shifts the reading frame from alanine 551.
Molecular consequence: frameshift variant.
Genome position (GRCh38, 1-based): chr14:23,398,970, T duplicated on the plus strand (A on the coding strand, the reverse complement: MYH6 is on the minus strand); the first of 2 consecutive T bases (chr14:23,398,970-23,398,971); duplicating either gives the same sequence. VCF-style (leftmost placement, unchanged base first): chr14-23398969-C-CT. GRCh37 (hg19) VCF-style: chr14-23868178-C-CT.
Other names: c.1649dupA (NM_002471.3); short protein forms A551fs.
Identifiers: ClinVar variation 2877187 (VCV002877187.4), dbSNP rs1331812932, ClinGen allele CA613317639.